The following is an entry in ClinVar:

ClinVar aggregate classification (germline): Uncertain significance (1 of 4 stars; one submission).

Conditions:
Chuvash polycythemia. Also called: POLYCYTHEMIA, VHL-DEPENDENT. Identifiers: Orphanet 238557, MedGen C1837915, MONDO:0009892, OMIM 263400.
Von Hippel-Lindau syndrome (VHLS). Also called: VHL syndrome; von Hippel–Lindau syndrome; Von Hippel-Lindau. Identifiers: Orphanet 892, MedGen C0019562, MONDO:0008667, OMIM 193300. Disease mechanism: loss of function.

Submission:

Labcorp Genetics (formerly Invitae), Labcorp
Classification: Uncertain significance for Von Hippel-Lindau syndrome; Chuvash polycythemia. Last evaluated: 2024-09-27. Review status: criteria provided, single submitter. Criteria: Invitae Variant Classification Sherloc (09022015). Collection method: clinical testing. Allele origin: germline.
Comment: This variant occurs in a non-coding region of the VHL gene. It does not change the encoded amino acid sequence of the VHL protein. This variant is not present in population databases (gnomAD no frequency). This variant has not been reported in the literature in individuals affected with VHL-related conditions. Experimental studies and prediction algorithms are not available or were not evaluated, and the functional significance of this variant is currently unknown. In summary, the available evidence is currently insufficient to determine the role of this variant in disease. Therefore, it has been classified as a Variant of Uncertain Significance.

NM_000551.4(VHL):c.-54T>A

Gene: VHL (von Hippel-Lindau tumor suppressor; plus strand). Cytogenetic location: 3p25.3.
Variant type: single nucleotide variant.
Coding change: c.-54T>A on transcript NM_000551.4 (MANE Select); 54 bases upstream of the start codon, T replaced by A.
Molecular consequence: 5 prime UTR variant. On other transcripts: non-coding transcript variant (1).
Genome position (GRCh38, 1-based): chr3:10,141,794, T>A. VCF-style: chr3-10141794-T-A. GRCh37 (hg19) VCF-style: chr3-10183478-T-A.
Other names: c.-54T>A (NM_001354723.2, NM_198156.3).
Identifiers: ClinVar variation 3758091 (VCV003758091.2).